The following is an entry in ClinVar:

ClinVar aggregate classification (germline): Likely benign. Review status: criteria provided, multiple submitters, no conflicts (2 of 4 stars). 9 submissions from 9 submitters: Likely benign (5). 4 of the submissions do not count toward it. Last evaluated 2025-10-01.

Conditions:
Chromosome 1q21.1 deletion syndrome. Also called: CHROMOSOME 1q21.1 DELETION SYNDROME, 1.35-MB; 1q21.1 recurrent microdeletion; 1q21.1 Deletion. Identifiers: Orphanet 250989, MedGen C2675897, MONDO:0012914, OMIM 612474.
Cataract 1 multiple types. Also called: CATARACT, DUFFY-LINKED; CATARACT 1, NUCLEAR PROGRESSIVE; CATARACT 1 WITH MICROCORNEA; CATARACT 1, POSTERIOR SUBCAPSULAR, WITH MICROCORNEA; CATARACT 1, STELLATE NUCLEAR, WITH MICROCORNEA; CATARACT 1, MULTIPLE TYPES, WITH OR WITHOUT MICROCORNEA. Identifiers: Orphanet 1377, MedGen C1861828, MONDO:0007285, OMIM 116200.
GJA8-related disorder. Also called: GJA8-related condition.
Developmental cataract. Also called: Congenital cataract; Congenital cataracts; Bilateral cataracts. Identifiers: MedGen C0009691, HP:0000519.

Allele frequency attached by ClinVar (database versions not stated): 1000 Genomes Project 0.00100; 1000 Genomes Project 30x 0.00109; TOPMed 0.00217; gnomAD 0.00229 and 0.00247; ESP Exome Variant Server 0.00246; ExAC 0.00257.

Submissions (9):

Labcorp Genetics (formerly Invitae), Labcorp
Classification: Likely benign for Cataract 1 multiple types. Last evaluated: 2025-10-01. Review status: criteria provided, single submitter. Criteria: Invitae Variant Classification Sherloc (09022015). Collection method: clinical testing. Allele origin: germline.

CeGaT Center for Human Genetics Tuebingen
Classification: Likely benign. Last evaluated: 2024-05-01. Review status: criteria provided, single submitter. Criteria: CeGaT Center For Human Genetics Tuebingen Variant Classification Criteria Version 2. Collection method: clinical testing. Allele origin: germline. Affected: yes. Observed: 2 variant alleles.
Comment: GJA8: BS1

Dept. Genetics and Cancer, Menzies Institute for Medical Research, University of Tasmania
Classification: Likely benign for Cataract 1 multiple types. Last evaluated: 2023-01-21. Review status: criteria provided, single submitter. Criteria: ACMG Guidelines, 2015. Collection method: curation. Allele origin: germline. Affected: no.
Comment: Variant identified and curated during a GJA8 specific review of the literature in relation to pediatric or congenital cataract. ACMG-AMP criteria applied: BS1, PP3. Original variant report: PMID:28827829;29464339. The cataract phenotype reported for this variant is: Nuclear and cortical. Additional phenotype/s reported in these individual/s are: aphakic glaucoma. Microphthalmia, coloboma, retrobulbar cysts, microcephaly associated with normal development, reduced growth. Gene review and curation guidelines are outlined in: DOI 10.1080/17469899.2023.2160320

Fulgent Genetics
Classification: Likely benign for Cataract 1 multiple types; Chromosome 1q21.1 deletion syndrome. Last evaluated: 2021-09-02. Review status: criteria provided, single submitter. Criteria: ACMG Guidelines, 2015. Collection method: clinical testing. Allele origin: unknown.

GeneDx
Classification: Likely benign. Last evaluated: 2021-06-01. Review status: criteria provided, single submitter. Criteria: GeneDx Variant Classification Process June 2021. Collection method: clinical testing. Allele origin: germline. Affected: yes.
Comment: This variant is associated with the following publications: (PMID: 26694549, 19182255, 28827829, 29464339)

PreventionGenetics, part of Exact Sciences
Classification: Benign for GJA8-related condition. Last evaluated: 2020-02-17. Review status: no assertion criteria provided. Collection method: clinical testing. Allele origin: germline. Not counted in ClinVar's aggregate classification.
Comment: This variant is classified as benign based on ACMG/AMP sequence variant interpretation guidelines (Richards et al. 2015 PMID: 25741868, with internal and published modifications).

Eye Genetics Research Group, Children's Medical Research Institute
Classification: Benign for Developmental cataract. Last evaluated: 2015-01-09. Review status: no assertion criteria provided. Collection method: research. Allele origin: paternal. Affected: yes. Not counted in ClinVar's aggregate classification.

Clinical Genetics DNA and cytogenetics Diagnostics Lab, Erasmus MC, Erasmus Medical Center
Classification: Likely benign. Review status: no assertion criteria provided. Collection method: clinical testing. Allele origin: germline. Affected: yes. Study: VKGL Data-share Consensus. Not counted in ClinVar's aggregate classification.

Laboratory of Diagnostic Genome Analysis, Leiden University Medical Center (LUMC)
Classification: Likely benign. Review status: no assertion criteria provided. Collection method: clinical testing. Allele origin: germline. Affected: yes. Study: VKGL Data-share Consensus. Not counted in ClinVar's aggregate classification.

Literature cited by the submitters: PubMed 28827829 (cited by Dept. Genetics and Cancer, Menzies Institute for Medical Research, University of Tasmania); PubMed 29464339 (cited by Dept. Genetics and Cancer, Menzies Institute for Medical Research, University of Tasmania); PubMed 26694549 (cited by Eye Genetics Research Group, Children's Medical Research Institute).

NM_005267.5(GJA8):c.658A>G (p.Asn220Asp)

Gene: GJA8 (gap junction protein alpha 8; plus strand). Cytogenetic location: 1q21.2.
Variant type: single nucleotide variant.
Coding change: c.658A>G on transcript NM_005267.5 (MANE Select); coding-DNA position 658, A replaced by G.
Protein change: p.Asn220Asp; replaces asparagine 220 with aspartic acid.
Molecular consequence: missense variant.
Genome position (GRCh38, 1-based): chr1:147,908,613, A>G. VCF-style: chr1-147908613-A-G. GRCh37 (hg19) VCF-style: chr1-147380740-A-G.
Other names: short protein forms N220D.
Identifiers: ClinVar variation 217323 (VCV000217323.40), dbSNP rs138140155, ClinGen allele CA250006.
Genomic context (GRCh38, chr1:147,908,613, plus strand): 5'-ACGGAGAAAACCATCTTCATCCTGTTCATGTTGTCTGTGGCCTCTGTGTCCCTATTCCTC[A>G]ACGTGATGGAGTTGGGCCACCTGGGCCTGAAGGGGATCCGGTCTGCCTTGAAGAGGCCTG-3'
Protein context (NP_005258.2, residues 210-230): LSVASVSLFL[Asn220Asp]VMELGHLGLK